The following is an entry in ClinVar:

ClinVar aggregate classification (germline): Uncertain significance (1 of 4 stars; one submission).

Conditions:
Severe combined immunodeficiency due to DNA-PKcs deficiency. Also called: Immunodeficiency 26 with or without neurologic abnormalities; IMMUNODEFICIENCY 26 WITH NEUROLOGIC ABNORMALITIES. Identifiers: Orphanet 317425, MedGen C4014833, MONDO:0014423, OMIM 615966.

Submission:

Labcorp Genetics (formerly Invitae), Labcorp
Classification: Uncertain significance for Severe combined immunodeficiency due to DNA-PKcs deficiency. Last evaluated: 2023-08-24. Review status: criteria provided, single submitter. Criteria: Invitae Variant Classification Sherloc (09022015). Collection method: clinical testing. Allele origin: germline.
Comment: This sequence change affects a donor splice site in intron 40 of the PRKDC gene. It is expected to disrupt RNA splicing. Variants that disrupt the donor or acceptor splice site typically lead to a loss of protein function (PMID: 16199547), however the current clinical and genetic evidence is not sufficient to establish whether loss-of-function variants in PRKDC cause disease. This variant is not present in population databases (gnomAD no frequency). This variant has not been reported in the literature in individuals affected with PRKDC-related conditions. ClinVar contains an entry for this variant (Variation ID: 570101). In summary, the available evidence is currently insufficient to determine the role of this variant in disease. Therefore, it has been classified as a Variant of Uncertain Significance.

Literature cited by the submitters: PubMed 16199547.

NM_006904.7(PRKDC):c.5363+2T>C

Gene: PRKDC (protein kinase, DNA-activated, catalytic subunit; minus strand). Cytogenetic location: 8q11.21.
Variant type: single nucleotide variant.
Coding change: c.5363+2T>C on transcript NM_006904.7 (MANE Select); the canonical splice donor site of the intron after coding-DNA position 5363, T replaced by C.
Molecular consequence: splice donor variant.
Genome position (GRCh38, 1-based): chr8:47,877,722, A>G on the plus strand (T>C on the coding strand, the complement: PRKDC is on the minus strand). VCF-style: chr8-47877722-A-G. GRCh37 (hg19) VCF-style: chr8-48790283-A-G.
Other names: c.5363+2T>C (NM_001081640.2).
Identifiers: ClinVar variation 570101 (VCV000570101.7), dbSNP rs1563780267, ClinGen allele CA371137467.
Genomic context (GRCh38, chr8:47,877,722, plus strand): 5'-GATAATTTCCCACAAAACTGAAATGCGTATGGTTCCTGAGATCCCAGGCCAGAATGACTT[A>G]CCTTCTGGCAATCCTCCTGAAACTGGATTGAAATAATTCTTCCATGACATGCTGCTGTTC-3'